The following is an entry in ClinVar:

NM_004408.4(DNM1):c.2319-7C>T

Genes: DNM1 (dynamin 1; plus strand), LOC130002698 (ATAC-STARR-seq lymphoblastoid silent region 20332; plus strand). Cytogenetic location: 9q34.11.
Variant type: single nucleotide variant.
Coding change: c.2319-7C>T on transcript NM_004408.4 (MANE Select); 7 bases into the intron before coding-DNA position 2319, C replaced by T.
Molecular consequence: intron variant.
Genome position (GRCh38, 1-based): chr9:128,250,718, C>T. VCF-style: chr9-128250718-C-T. GRCh37 (hg19) VCF-style: chr9-131012997-C-T.
Other names: c.2319-7C>T (NM_001005336.3, NM_001374269.1, NM_001288738.2 and 2 more transcripts).
Identifiers: ClinVar variation 5000849 (VCV005000849.1).

ClinVar aggregate classification (germline): Likely benign (1 of 4 stars; one submission).

Conditions:
DNM1-related disorder. Also called: DNM1-related condition.

Submission:

PreventionGenetics, part of Exact Sciences
Classification: Likely benign for DNM1-related condition. Last evaluated: 2024-12-15. Review status: criteria provided, single submitter. Criteria: ACMG Guidelines, 2015. Collection method: clinical testing. Allele origin: germline.
Comment: This variant is classified as likely benign based on ACMG/AMP sequence variant interpretation guidelines (Richards et al. 2015 PMID: 25741868, with internal and published modifications).